The following is an entry in ClinVar:

ClinVar aggregate classification (germline): Uncertain significance. Review status: criteria provided, multiple submitters, no conflicts (2 of 4 stars). 2 submissions from 2 submitters: Uncertain significance (2). Last evaluated 2018-10-04.

Conditions:
Marfan syndrome (MFS). Also called: Marfan syndrome, classic; FBN1-Related Marfan Syndrome; Marfan syndrome type 1; Marfan's syndrome; MARFAN SYNDROME, TYPE I. Identifiers: Orphanet 284963, Orphanet 558, MedGen C0024796, MONDO:0007947, OMIM 154700.
Familial thoracic aortic aneurysm and aortic dissection (TAAD). Also called: Thoracic aortic aneurysms and dissections. Identifiers: Orphanet 91387, MedGen C4707243, MONDO:0019625.

Allele frequency attached by ClinVar (database versions not stated): gnomAD exomes below 0.00001.
gnomAD v4.1: 1 of 1,614,046 alleles (0.000062%); highest among the groups gnomAD compares: African/African-American, 0.0013%; no homozygotes.

Submissions (2):

Labcorp Genetics (formerly Invitae), Labcorp
Classification: Uncertain significance for Marfan syndrome; Familial thoracic aortic aneurysm and aortic dissection. Last evaluated: 2018-10-04. Review status: criteria provided, single submitter. Criteria: Invitae Variant Classification Sherloc (09022015). Collection method: clinical testing. Allele origin: germline.
Comment: Algorithms developed to predict the effect of missense changes on protein structure and function are either unavailable or do not agree on the potential impact of this missense change (SIFT: "Deleterious"; PolyPhen-2: "Probably Damaging"; Align-GVGD: "Class C15"). In summary, the available evidence is currently insufficient to determine the role of this variant in disease. Therefore, it has been classified as a Variant of Uncertain Significance. This variant has not been reported in the literature in individuals with FBN1-related disease. ClinVar contains an entry for this variant (Variation ID: 199971). This variant is not present in population databases (ExAC no frequency). This sequence change replaces glycine with valine at codon 518 of the FBN1 protein (p.Gly518Val). The glycine residue is highly conserved and there is a moderate physicochemical difference between glycine and valine.

GeneDx
Classification: Uncertain significance. Last evaluated: 2014-09-04. Review status: criteria provided, single submitter. Criteria: GeneDx Variant Classification (06012015). Collection method: clinical testing. Allele origin: germline. Affected: yes.
Comment: p.Gly518Val (GGA>GTA): c.1553 G>T in exon 13 of the FBN1 gene (NM_000138.4 )A variant of unknown significance has been identified in the FBN1 gene. The G518V variant has not been published as a mutation, nor has it been reported as a benign polymorphism to our knowledge. The G518V variant was not observed in approximately 6,500 individuals of European and African American ancestry in the NHLBI Exome Sequencing Project, indicating it is not a common benign variant in these populations. This substitution occurs in a calcium-binding EGF-like domain at a position that is conserved across species. Additionally, in silico analysis predicts this variant is probably damaging to the protein structure/function. Furthermore, missense mutations in nearby residues (C504Y, Y519C, C528Y) have been reported in association with Marfan syndrome, supporting the functional importance of this region of the protein. However, the G518V variant is a conservative amino acid substitution, which is not likely to impact secondary protein structure as these residues share similar properties.Therefore, based on the currently available information, it is unclear whether this variant is a pathogenic mutation or a rare benign variant. The variant is found in TAAD panel(s).

NM_000138.5(FBN1):c.1553G>T (p.Gly518Val)

Gene: FBN1 (fibrillin 1; minus strand). Cytogenetic location: 15q21.1.
Variant type: single nucleotide variant.
Coding change: c.1553G>T on transcript NM_000138.5 (MANE Select); coding-DNA position 1553, G replaced by T.
Protein change: p.Gly518Val; replaces glycine 518 with valine.
Molecular consequence: missense variant.
Genome position (GRCh38, 1-based): chr15:48,513,584, C>A on the plus strand (G>T on the coding strand, the complement: FBN1 is on the minus strand). VCF-style: chr15-48513584-C-A. GRCh37 (hg19) VCF-style: chr15-48805781-C-A.
Other names: p.G518V:GGA>GTA; short protein forms G518V.
Identifiers: ClinVar variation 199971 (VCV000199971.10), dbSNP rs794728169, ClinGen allele CA012250.